The following is an entry in ClinVar:

NM_201384.3(PLEC):c.9896G>A (p.Arg3299Gln)

Gene: PLEC (plectin; minus strand). Cytogenetic location: 8q24.3.
Variant type: single nucleotide variant.
Coding change: c.9896G>A on transcript NM_201384.3 (MANE Select); coding-DNA position 9896, G replaced by A.
Protein change: p.Arg3299Gln; replaces arginine 3299 with glutamine.
Molecular consequence: missense variant.
Genome position (GRCh38, 1-based): chr8:143,919,925, C>T on the plus strand (G>A on the coding strand, the complement: PLEC is on the minus strand). VCF-style: chr8-143919925-C-T. GRCh37 (hg19) VCF-style: chr8-144994093-C-T.
Other names: c.9977G>A, p.Arg3326Gln (NM_000445.5); c.9854G>A, p.Arg3285Gln (NM_201378.4); c.9830G>A, p.Arg3277Gln (NM_201379.3); c.10307G>A, p.Arg3436Gln (NM_201380.4); c.9800G>A, p.Arg3267Gln (NM_201381.3); c.9896G>A, p.Arg3299Gln (NM_201382.4); c.9908G>A, p.Arg3303Gln (NM_201383.3); short protein forms R3267Q, R3277Q, R3285Q, R3299Q, R3303Q, R3326Q, R3436Q.
Identifiers: ClinVar variation 497088 (VCV000497088.59), dbSNP rs368318946, ClinGen allele CA4924820.
Genomic context (GRCh38, chr8:143,919,925, plus strand): 5'-GCCAGGAGCTCGCTGGCTGGCACAGGGGCACGGAGGCCGCTGAAGGACAGCCTCTCCTGC[C>T]GCAGGGTCTCCACCTCCTCCACGATGGTAATGAGAATCTTGATGACCTTCTCCACGGTGA-3'
Protein context (NP_958786.1, residues 3289-3309): ITIVEEVETL[Arg3299Gln]QERLSFSGLR

ClinVar aggregate classification (germline): Conflicting classifications of pathogenicity. Review status: criteria provided, conflicting classifications (1 of 4 stars). 7 submissions from 7 submitters: Uncertain significance (5); Likely benign (2). Last evaluated 2026-01-05.

Conditions:
Epidermolysis bullosa simplex 5C, with pyloric atresia (EBS5C). Also called: PLEC-Related Epidermolysis Bullosa with Pyloric Atresia; Epidermolysis bullosa simplex with pyloric atresia; PLEC1-Related Epidermolysis Bullosa with Pyloric Atresia. Identifiers: Orphanet 158684, MedGen C2677349, MONDO:0012807, OMIM 612138.
Epidermolysis bullosa simplex 5B, with muscular dystrophy (EBS5B). Also called: EPIDERMOLYSIS BULLOSA SIMPLEX AND LIMB-GIRDLE MUSCULAR DYSTROPHY; Epidermolysis bullosa simplex with muscular dystrophy. Identifiers: Orphanet 257, MedGen C2931072, MONDO:0009181, OMIM 226670.
Autosomal recessive limb-girdle muscular dystrophy type 2Q (LGMDR17). Also called: MUSCULAR DYSTROPHY, LIMB-GIRDLE, AUTOSOMAL RECESSIVE 17. Identifiers: Orphanet 254361, MedGen C3150989, MONDO:0013390, OMIM 613723.
Epidermolysis bullosa simplex with nail dystrophy (EBS5D). Identifiers: MedGen C4225309, MONDO:0014661, OMIM 616487.
Epidermolysis bullosa simplex, Ogna type (EBS5A). Also called: Pidermolysis bullosa simplex 5A, Ogna type; EPIDERMOLYSIS BULLOSA SIMPLEX 5A, OGNA TYPE. Identifiers: Orphanet 79401, MedGen C0432317, MONDO:0007555, OMIM 131950.
Inborn genetic diseases. Identifiers: MedGen C0950123, MeSH D030342.

Allele frequency attached by ClinVar (database versions not stated): gnomAD 0.00007 and 0.00011; TOPMed 0.00010; 1000 Genomes Project 30x 0.00016; 1000 Genomes Project 0.00020; ExAC 0.00029; ESP Exome Variant Server 0.00031.
gnomAD v4.1: 216 of 1,613,354 alleles (0.013%); highest among the groups gnomAD compares: South Asian, 0.13%; 1 homozygote.

Submissions (7):

Labcorp Genetics (formerly Invitae), Labcorp
Classification: Uncertain significance for Autosomal recessive limb-girdle muscular dystrophy type 2Q; Epidermolysis bullosa simplex, Ogna type; Epidermolysis bullosa simplex with nail dystrophy; Epidermolysis bullosa simplex 5C, with pyloric atresia; Epidermolysis bullosa simplex 5B, with muscular dystrophy. Last evaluated: 2026-01-05. Review status: criteria provided, single submitter. Criteria: Invitae Variant Classification Sherloc (09022015). Collection method: clinical testing. Allele origin: germline.
Comment: This sequence change replaces arginine, which is basic and polar, with glutamine, which is neutral and polar, at codon 3326 of the PLEC protein (p.Arg3326Gln). This variant is present in population databases (rs368318946, gnomAD 0.1%), including at least one homozygous and/or hemizygous individual. This variant has not been reported in the literature in individuals affected with PLEC-related conditions. ClinVar contains an entry for this variant (Variation ID: 497088). An algorithm developed to predict the effect of missense changes on protein structure and function (PolyPhen-2) suggests that this variant is likely to be disruptive. In summary, the available evidence is currently insufficient to determine the role of this variant in disease. Therefore, it has been classified as a Variant of Uncertain Significance.

Revvity Omics, Revvity
Classification: Uncertain significance. Last evaluated: 2024-12-26. Review status: criteria provided, single submitter. Criteria: ACMG Guidelines, 2015. Collection method: clinical testing. Allele origin: germline.

Blueprint Genetics
Classification: Likely benign. Last evaluated: 2024-11-17. Review status: criteria provided, single submitter. Criteria: ACMG Guidelines, 2015. Collection method: clinical testing. Allele origin: germline.

Ambry Genetics
Classification: Uncertain significance for Inborn genetic diseases. Last evaluated: 2021-08-12. Review status: criteria provided, single submitter. Criteria: Ambry Variant Classification Scheme 2023. Collection method: clinical testing. Allele origin: germline.

GeneDx
Classification: Likely benign. Last evaluated: 2018-05-02. Review status: criteria provided, single submitter. Criteria: GeneDx Variant Classification (06012015). Collection method: clinical testing. Allele origin: germline. Affected: yes.
Comment: This variant is considered likely benign or benign based on one or more of the following criteria: it is a conservative change, it occurs at a poorly conserved position in the protein, it is predicted to be benign by multiple in silico algorithms, and/or has population frequency not consistent with disease.

Eurofins Ntd Llc (ga)
Classification: Uncertain significance. Last evaluated: 2016-12-01. Review status: criteria provided, single submitter. Criteria: EGL Classification Definitions 2015. Collection method: clinical testing. Allele origin: germline. Observed: 4 variant alleles, 4 heterozygotes.

CeGaT Center for Human Genetics Tuebingen
Classification: Uncertain significance. Last evaluated: 2016-04-01. Review status: criteria provided, single submitter. Criteria: CeGaT Center For Human Genetics Tuebingen Variant Classification Criteria Version 2. Collection method: clinical testing. Allele origin: germline. Affected: yes. Observed: 1 variant allele.